The following is an entry in ClinVar:

ClinVar aggregate classification (germline): Benign/Likely benign. Review status: criteria provided, multiple submitters, no conflicts (2 of 4 stars). 3 submissions from 3 submitters: Benign (1); Likely benign (2). Last evaluated 2026-09-29.

Conditions:
Neurofibromatosis, type 1 (NF1). Also called: VON RECKLINGHAUSEN DISEASE; Peripheral type neurofibromatosis; NEUROFIBROMATOSIS, TYPE I, SOMATIC; Neurofibromatosis, type I. Identifiers: Orphanet 636, MedGen C0027831, MONDO:0018975, OMIM 162200. Disease mechanism: loss of function.
Cardiovascular phenotype. Identifiers: MedGen CN230736.
Hereditary cancer-predisposing syndrome. Also called: Tumor predisposition; Hereditary Cancer Syndrome; Hereditary neoplastic syndrome; Neoplastic Syndromes, Hereditary. Identifiers: Orphanet 140162, MedGen C0027672, MeSH D009386, MONDO:0015356.

Submissions (3):

Myriad Genetics, Inc.
Classification: Benign for Neurofibromatosis, type 1. Last evaluated: 2026-09-29. Review status: criteria provided, single submitter. Criteria: Myriad Autosomal Dominant, Autosomal Recessive and X-Linked Classification Criteria (2023). Collection method: clinical testing. Allele origin: unknown.
Comment: This variant is considered benign. This variant is a silent/synonymous amino acid change and it is not expected to impact splicing.

Ambry Genetics
Classification: Likely benign for Cardiovascular phenotype; Hereditary cancer-predisposing syndrome. Last evaluated: 2026-05-21. Review status: criteria provided, single submitter. Criteria: Ambry Variant Classification Scheme 2023. Collection method: clinical testing. Allele origin: germline.

Labcorp Genetics (formerly Invitae), Labcorp
Classification: Likely benign for Neurofibromatosis, type 1. Last evaluated: 2024-02-17. Review status: criteria provided, single submitter. Criteria: Invitae Variant Classification Sherloc (09022015). Collection method: clinical testing. Allele origin: germline.

NM_001042492.3(NF1):c.2406C>T (p.Gly802=)

Gene: NF1 (neurofibromin 1; plus strand). Cytogenetic location: 17q11.2.
Variant type: single nucleotide variant.
Coding change: c.2406C>T on transcript NM_001042492.3 (MANE Select); coding-DNA position 2406, C replaced by T.
Protein change: p.Gly802=; no amino-acid change (glycine 802 retained).
Molecular consequence: synonymous variant.
Genome position (GRCh38, 1-based): chr17:31,227,603, C>T. VCF-style: chr17-31227603-C-T. GRCh37 (hg19) VCF-style: chr17-29554621-C-T.
Other names: c.2406C>T, p.Gly802= (NM_000267.4).
Identifiers: ClinVar variation 1499399 (VCV001499399.10), dbSNP rs2151427624, ClinGen allele CA499226361.
Genomic context (GRCh38, chr17:31,227,603, plus strand): 5'-AAAATGGGAACAAGCAACAAAGCTAATCCTTAACTATCCAAAAGCCAAAATGGAAGATGG[C>T]CAGGTAAGTCTGTAAAGTTGACTTTTGTCTGTTAACTGATCTGCTAAATATATGTACTTC-3'
Protein context (NP_001035957.1, residues 792-812): LNYPKAKMED[Gly802=]QAAESLHKTI